The following is an entry in ClinVar:

ClinVar aggregate classification (germline): Conflicting classifications of pathogenicity. Review status: criteria provided, conflicting classifications (1 of 4 stars). 6 submissions from 6 submitters: Uncertain significance (5); Likely benign (1). Last evaluated 2026-01-06.

Conditions:
Hereditary cancer. Identifiers: MedGen C1333600.
Spermatogenic failure 28. Identifiers: MedGen C4748117, MONDO:0054732, OMIM 618086.
Premature ovarian failure 15. Identifiers: MedGen C4748170, MONDO:0054862, OMIM 618096.
Fanconi anemia (FA). Also called: Fanconi's anemia. Identifiers: Orphanet 84, MedGen C0015625, MeSH D005199, MONDO:0019391.

Allele frequency attached by ClinVar (database versions not stated): ExAC 0.00008; gnomAD 0.00017; TOPMed 0.00017; ESP Exome Variant Server 0.00038; 1000 Genomes Project 0.00060; 1000 Genomes Project 30x 0.00062.
gnomAD v4.1: 53 of 1,614,058 alleles (0.0033%); highest among the groups gnomAD compares: African/African-American, 0.064%; no homozygotes.

Submissions (6):

Labcorp Genetics (formerly Invitae), Labcorp
Classification: Uncertain significance for Fanconi anemia. Last evaluated: 2026-01-06. Review status: criteria provided, single submitter. Criteria: Invitae Variant Classification Sherloc (09022015). Collection method: clinical testing. Allele origin: germline.
Comment: This sequence change replaces leucine, which is neutral and non-polar, with valine, which is neutral and non-polar, at codon 1950 of the FANCM protein (p.Leu1950Val). This variant is present in population databases (rs146436929, gnomAD 0.07%). This missense change has been observed in individual(s) with Fanconi anemia (PMID: 26740942). ClinVar contains an entry for this variant (Variation ID: 661134). An algorithm developed to predict the effect of missense changes on protein structure and function (PolyPhen-2) suggests that this variant is likely to be disruptive. In summary, the available evidence is currently insufficient to determine the role of this variant in disease. Therefore, it has been classified as a Variant of Uncertain Significance.

Quest Diagnostics Nichols Institute San Juan Capistrano
Classification: Uncertain significance. Last evaluated: 2024-10-07. Review status: criteria provided, single submitter. Criteria: Quest Diagnostics criteria. Collection method: clinical testing. Allele origin: unknown.
Comment: The FANCM c.5848T>G (p.Leu1950Val) variant has been reported in the published literature in an individual with suspected hereditary breast/ovarian cancer (Mastology (2017) 27(4):271-5), and in an individual with Fanconi anemia who also carried a nonsense variant in the FANCA gene (PMID: 26740942 (2015)). The frequency of this variant in the general population, 0.00072 (18/24972 chromosomes in African/African American subpopulation (Genome Aggregation Database)), is higher than would generally be expected for pathogenic variants in this gene. Analysis of this variant using bioinformatics tools for the prediction of the effect of amino acid changes on protein structure and function yielded conflicting predictions that this variant is benign or damaging. Based on the available information, we are unable to determine the clinical significance of this variant.

GeneDx
Classification: Uncertain significance. Last evaluated: 2024-04-26. Review status: criteria provided, single submitter. Criteria: GeneDx Variant Classification Process June 2021. Collection method: clinical testing. Allele origin: germline. Affected: yes.
Comment: In silico analysis supports that this missense variant does not alter protein structure/function; This variant is associated with the following publications: (PMID: 26740942)

Mendelics
Classification: Likely benign for Hereditary cancer. Last evaluated: 2024-01-23. Review status: criteria provided, single submitter. Criteria: ACMG Guidelines, 2015. Collection method: clinical testing. Allele origin: unknown.

Blueprint Genetics
Classification: Uncertain significance. Last evaluated: 2022-08-09. Review status: criteria provided, single submitter. Criteria: ACMG Guidelines, 2015. Collection method: clinical testing. Allele origin: germline.

Fulgent Genetics
Classification: Uncertain significance for Spermatogenic failure 28; Premature ovarian failure 15. Last evaluated: 2022-03-16. Review status: criteria provided, single submitter. Criteria: ACMG Guidelines, 2015. Collection method: clinical testing. Allele origin: unknown.

Literature cited by the submitters: PubMed 26740942 (cited by Labcorp Genetics (formerly Invitae), Labcorp and Quest Diagnostics Nichols Institute San Juan Capistrano).

NM_020937.4(FANCM):c.5848T>G (p.Leu1950Val)

Gene: FANCM (FA complementation group M; plus strand). Cytogenetic location: 14q21.2.
Variant type: single nucleotide variant.
Coding change: c.5848T>G on transcript NM_020937.4 (MANE Select); coding-DNA position 5848, T replaced by G.
Protein change: p.Leu1950Val; replaces leucine 1950 with valine.
Molecular consequence: missense variant.
Genome position (GRCh38, 1-based): chr14:45,198,775, T>G. VCF-style: chr14-45198775-T-G. GRCh37 (hg19) VCF-style: chr14-45667978-T-G.
Other names: c.5848T>G (LRG_502t1, NM_020937.3); c.5770T>G, p.Leu1924Val (NM_001308133.2); short protein forms L1924V, L1950V.
Identifiers: ClinVar variation 661134 (VCV000661134.17), dbSNP rs146436929, ClinGen allele CA7170079.